The following is an entry in ClinVar:

NM_020937.4(FANCM):c.4454A>C (p.Lys1485Thr)

Gene: FANCM (FA complementation group M; plus strand). Cytogenetic location: 14q21.2.
Variant type: single nucleotide variant.
Coding change: c.4454A>C on transcript NM_020937.4 (MANE Select); coding-DNA position 4454, A replaced by C.
Protein change: p.Lys1485Thr; replaces lysine 1485 with threonine.
Molecular consequence: missense variant.
Genome position (GRCh38, 1-based): chr14:45,183,841, A>C. VCF-style: chr14-45183841-A-C. GRCh37 (hg19) VCF-style: chr14-45653044-A-C.
Other names: c.4376A>C, p.Lys1459Thr (NM_001308133.2); short protein forms K1459T, K1485T.
Identifiers: ClinVar variation 2681930 (VCV002681930.1), dbSNP rs2139278064, ClinGen allele CA389607724.

ClinVar aggregate classification (germline): Uncertain significance (1 of 4 stars; one submission).

Submission:

Quest Diagnostics Nichols Institute San Juan Capistrano
Classification: Uncertain significance. Last evaluated: 2023-06-19. Review status: criteria provided, single submitter. Criteria: Quest Diagnostics criteria. Collection method: clinical testing. Allele origin: unknown.
Comment: To the best of our knowledge, this variant has not been reported in the published literature. It also has not been reported in large, multi-ethnic general populations (Genome Aggregation Database). Analysis of this variant using bioinformatics tools for the prediction of the effect of amino acid changes on protein structure and function yielded predictions that this variant is benign. Based on the available information, we are unable to determine the clinical significance of this variant.